The following is an entry in ClinVar:

ClinVar aggregate classification (germline): Uncertain significance (1 of 4 stars; one submission).

Conditions:
Granulomatous disease, chronic, autosomal recessive, cytochrome b-negative. Also called: CGD DUE TO DEFICIENCY OF THE ALPHA SUBUNIT OF CYTOCHROME b; CGD, AUTOSOMAL RECESSIVE CYTOCHROME b-NEGATIVE; GRANULOMATOUS DISEASE, CHRONIC, AUTOSOMAL RECESSIVE, 4; CYBA DEFICIENCY; Chronic granulomatous disease, autosomal, due to deficiency of CYBA. Identifiers: Orphanet 379, MedGen C1856255, MONDO:0009308, OMIM 233690.

Submission:

Labcorp Genetics (formerly Invitae), Labcorp
Classification: Uncertain significance for Granulomatous disease, chronic, autosomal recessive, cytochrome b-negative. Last evaluated: 2020-08-20. Review status: criteria provided, single submitter. Criteria: Invitae Variant Classification Sherloc (09022015). Collection method: clinical testing. Allele origin: germline.
Comment: In summary, the available evidence is currently insufficient to determine the role of this variant in disease. Therefore, it has been classified as a Variant of Uncertain Significance. Algorithms developed to predict the effect of missense changes on protein structure and function (SIFT, PolyPhen-2, Align-GVGD) all suggest that this variant is likely to be tolerated, but these predictions have not been confirmed by published functional studies and their clinical significance is uncertain. This variant has not been reported in the literature in individuals with CYBA-related conditions. The frequency data for this variant in the population databases is considered unreliable, as metrics indicate insufficient coverage at this position in the ExAC database. This sequence change replaces glutamine with glutamic acid at codon 150 of the CYBA protein (p.Gln150Glu). The glutamine residue is moderately conserved and there is a small physicochemical difference between glutamine and glutamic acid.

NM_000101.4(CYBA):c.448C>G (p.Gln150Glu)

Gene: CYBA (cytochrome b-245 alpha chain; minus strand). Cytogenetic location: 16q24.2.
Variant type: single nucleotide variant.
Coding change: c.448C>G on transcript NM_000101.4 (MANE Select); coding-DNA position 448, C replaced by G.
Protein change: p.Gln150Glu; replaces glutamine 150 with glutamic acid.
Molecular consequence: missense variant.
Genome position (GRCh38, 1-based): chr16:88,643,493, G>C on the plus strand (C>G on the coding strand, the complement: CYBA is on the minus strand). VCF-style: chr16-88643493-G-C. GRCh37 (hg19) VCF-style: chr16-88709901-G-C.
Other names: short protein forms Q150E.
Identifiers: ClinVar variation 1045479 (VCV001045479.9), dbSNP rs1907160050, ClinGen allele CA397057317.